The following is an entry in ClinVar:

ClinVar aggregate classification (germline): Conflicting classifications of pathogenicity. Review status: criteria provided, conflicting classifications (1 of 4 stars). 2 submissions from 2 submitters: Uncertain significance (1); Likely benign (1). Last evaluated 2025-09-26.

Conditions:
Progressive sclerosing poliodystrophy (MTDPS4A). Also called: Mitochondrial DNA Depletion Syndrome 4A; ALPERS PROGRESSIVE INFANTILE POLIODYSTROPHY; NEURONAL DEGENERATION OF CHILDHOOD WITH LIVER DISEASE, PROGRESSIVE; Mitochondrial DNA depletion syndrome 4A (Alpers type); Alpers Syndrome; ALPERS DIFFUSE DEGENERATION OF CEREBRAL GRAY MATTER WITH HEPATIC CIRRHOSIS. Identifiers: Orphanet 726, MedGen C0205710, MONDO:0008758, OMIM 203700.

Submissions (2):

Athena Diagnostics
Classification: Uncertain significance. Last evaluated: 2025-09-26. Review status: criteria provided, single submitter. Criteria: Athena Diagnostics Criteria. Collection method: clinical testing. Allele origin: unknown.
Comment: Available data are insufficient to determine the clinical significance of the variant at this time. The frequency of this variant in the general population is uninformative in assessment of its pathogenicity. Computational tools yielded predictions that this variant is unlikely to have an effect on normal RNA splicing.

Labcorp Genetics (formerly Invitae), Labcorp
Classification: Likely benign for Progressive sclerosing poliodystrophy. Last evaluated: 2023-06-02. Review status: criteria provided, single submitter. Criteria: Invitae Variant Classification Sherloc (09022015). Collection method: clinical testing. Allele origin: germline.

NM_002693.3(POLG):c.3644-9_3644-8del

Genes: POLG (DNA polymerase gamma, catalytic subunit; minus strand), FANCI (FA complementation group I; plus strand). Cytogenetic location: 15q26.1.
Variant type: Deletion.
Coding change: c.3644-9_3644-8del on transcript NM_002693.3 (MANE Select); 9 bases into the intron before coding-DNA position 3644 through 8 bases into the intron before coding-DNA position 3644, 2 bases deleted (AT; older notation c.3644-9_3644-8delAT).
Molecular consequence: intron variant. On other transcripts: 3 prime UTR variant (4).
Genome position (GRCh38, 1-based): chr15:89,316,835-89,316,836, AT deleted on the plus strand (AT on the coding strand, the reverse complement: POLG is on the minus strand); deleting any 2 consecutive bases within chr15:89,316,835-89,316,837 gives the same sequence; the c. name uses the placement nearest the transcript's 3' end. VCF-style (leftmost placement, unchanged base first): chr15-89316834-GAT-G. GRCh37 (hg19) VCF-style: chr15-89860065-GAT-G.
Other names: c.3644-9_3644-8del (NM_002693.2, NM_001126131.2); c.*377_*378del (NM_001113378.2, NM_001376910.1, NM_001376911.1 and 1 more transcripts).
Identifiers: ClinVar variation 2992771 (VCV002992771.4), dbSNP rs761859226, ClinGen allele CA7724047.